The following is an entry in ClinVar:

NM_001723.7(DST):c.6755G>A (p.Gly2252Glu)

Gene: DST (dystonin; minus strand). Cytogenetic location: 6p12.1.
Variant type: single nucleotide variant.
Coding change: c.6755G>A on transcript NM_001723.7 (MANE Plus Clinical); coding-DNA position 6755, G replaced by A.
Protein change: p.Gly2252Glu; replaces glycine 2252 with glutamic acid.
Molecular consequence: missense variant. On other transcripts: intron variant (10).
Genome position (GRCh38, 1-based): chr6:56,616,712, C>T on the plus strand (G>A on the coding strand, the complement: DST is on the minus strand). VCF-style: chr6-56616712-C-T. GRCh37 (hg19) VCF-style: chr6-56481510-C-T.
Other names: c.4831-2228G>A (NM_001144769.5); c.4930-2228G>A (NM_001374722.1, NM_001374736.1); c.4957-2228G>A (NM_001374734.1); c.4417-2228G>A (NM_001144770.2); c.4297-2228G>A (NM_001374730.1, NM_001386100.1, NM_183380.4 and 1 more transcripts); c.3319-2228G>A (NM_015548.5); short protein forms G2252E.
Identifiers: ClinVar variation 644212 (VCV000644212.9), dbSNP rs140152012, ClinGen allele CA3870100.
Genomic context (GRCh38, chr6:56,616,712, plus strand): 5'-CCCTGCTGCAGAGCAATTTCTGGAGGAACACGAATGCCTCTCACAGGGTCAATGACACCC[C>T]CACTGGCAATCTGGGCTTCCAAGATATGTTTACCTTTTTGTCTGTCAAGCATTCTATTTT-3'
Protein context (NP_001714.1, residues 2242-2262): KHILEAQIAS[Gly2252Glu]GVIDPVRGIR

ClinVar aggregate classification (germline): Uncertain significance (1 of 4 stars; one submission).

Conditions:
Hereditary sensory and autonomic neuropathy type 6. Also called: HSAN VI; Neuropathy, hereditary sensory and autonomic, type VI. Identifiers: Orphanet 314381, MedGen C3539003, MONDO:0013839, OMIM 614653.
Epidermolysis bullosa simplex 3, localized or generalized intermediate, with BP230 deficiency (EBS3). Also called: Epidermolysis bullosa simplex, autosomal recessive 2; Epidermolysis bullosa simplex due to BP230 deficiency. Identifiers: Orphanet 412181, MedGen C3809470, MONDO:0014180, OMIM 615425.

Allele frequency attached by ClinVar (database versions not stated): gnomAD 0.00001; gnomAD exomes 0.00004; ExAC 0.00006; ESP Exome Variant Server 0.00023.
gnomAD v4.1: 44 of 1,614,066 alleles (0.0027%); highest among the groups gnomAD compares: Non-Finnish European, 0.0036%; no homozygotes.

Submission:

Labcorp Genetics (formerly Invitae), Labcorp
Classification: Uncertain significance for Epidermolysis bullosa simplex 3, localized or generalized intermediate, with BP230 deficiency; Hereditary sensory and autonomic neuropathy type 6. Last evaluated: 2022-07-21. Review status: criteria provided, single submitter. Criteria: Invitae Variant Classification Sherloc (09022015). Collection method: clinical testing. Allele origin: germline.
Comment: This sequence change replaces glycine, which is neutral and non-polar, with glutamic acid, which is acidic and polar, at codon 2252 of the DST protein (p.Gly2252Glu). This variant is present in population databases (rs140152012, gnomAD 0.008%). This variant has not been reported in the literature in individuals affected with DST-related conditions. ClinVar contains an entry for this variant (Variation ID: 644212). Algorithms developed to predict the effect of missense changes on protein structure and function are either unavailable or do not agree on the potential impact of this missense change (SIFT: "Tolerated"; PolyPhen-2: "Probably Damaging"; Align-GVGD: "Class C0"). In summary, the available evidence is currently insufficient to determine the role of this variant in disease. Therefore, it has been classified as a Variant of Uncertain Significance.